The following is an entry in ClinVar:

NM_006790.3(MYOT):c.1335C>T (p.Asn445=)

Genes: MYOT (myotilin; plus strand), PKD2L2-DT (PKD2L2 divergent transcript; minus strand). Cytogenetic location: 5q31.2.
Variant type: single nucleotide variant.
Coding change: c.1335C>T on transcript NM_006790.3 (MANE Select); coding-DNA position 1335, C replaced by T.
Protein change: p.Asn445=; no amino-acid change (asparagine 445 retained).
Molecular consequence: synonymous variant.
Genome position (GRCh38, 1-based): chr5:137,887,223, C>T. VCF-style: chr5-137887223-C-T. GRCh37 (hg19) VCF-style: chr5-137222912-C-T.
Other names: c.783C>T, p.Asn261= (NM_001135940.2); c.990C>T, p.Asn330= (NM_001300911.2).
Identifiers: ClinVar variation 387672 (VCV000387672.16), dbSNP rs769506328, ClinGen allele CA3423177.

ClinVar aggregate classification (germline): Conflicting classifications of pathogenicity. Review status: criteria provided, conflicting classifications (1 of 4 stars). 4 submissions from 4 submitters: Uncertain significance (1); Likely benign (2). 1 of the submissions does not count toward it. Last evaluated 2024-07-27.

Conditions:
MYOT-related disorder. Also called: MYOT-related condition.
Myofibrillar myopathy 3 (MFM3). Also called: Muscular dystrophy, proximal, type 1A; Autosomal dominant spheroid body myopathy. Identifiers: Orphanet 266, Orphanet 268129, MedGen C3714934, MONDO:0012215, OMIM 609200.

Allele frequency attached by ClinVar (database versions not stated): gnomAD exomes below 0.00001 and 0.00001; ExAC 0.00001; gnomAD 0.00005 and 0.00006; TOPMed 0.00005.
gnomAD v4.1: 20 of 1,613,884 alleles (0.0012%); highest among the groups gnomAD compares: African/African-American, 0.025%; no homozygotes.

Submissions (4):

Labcorp Genetics (formerly Invitae), Labcorp
Classification: Likely benign for Myofibrillar myopathy 3. Last evaluated: 2024-07-27. Review status: criteria provided, single submitter. Criteria: Invitae Variant Classification Sherloc (09022015). Collection method: clinical testing. Allele origin: germline.

Eurofins Ntd Llc (ga)
Classification: Uncertain significance. Last evaluated: 2017-04-03. Review status: criteria provided, single submitter. Criteria: EGL Classification Definitions 2015. Collection method: clinical testing. Allele origin: germline. Observed: 1 variant allele, 1 heterozygote.

GeneDx
Classification: Likely benign. Last evaluated: 2016-08-08. Review status: criteria provided, single submitter. Criteria: GeneDx Variant Classification (06012015). Collection method: clinical testing. Allele origin: germline. Affected: yes.
Comment: This variant is considered likely benign or benign based on one or more of the following criteria: it is a conservative change, it occurs at a poorly conserved position in the protein, it is predicted to be benign by multiple in silico algorithms, and/or has population frequency not consistent with disease.

PreventionGenetics, part of Exact Sciences
Classification: Likely benign for MYOT-related condition. Last evaluated: 2019-07-11. Review status: no assertion criteria provided. Collection method: clinical testing. Allele origin: germline. Not counted in ClinVar's aggregate classification.
Comment: This variant is classified as likely benign based on ACMG/AMP sequence variant interpretation guidelines (Richards et al. 2015 PMID: 25741868, with internal and published modifications).